The following is an entry in ClinVar:

ClinVar aggregate classification (germline): Likely benign. Review status: criteria provided, multiple submitters, no conflicts (2 of 4 stars). 3 submissions from 3 submitters: Likely benign (3). Last evaluated 2025-11-21.

Conditions:
JAG1-related disorder. Also called: JAG1-related condition; JAG1-related disorders.
Alagille syndrome due to a JAG1 point mutation. Also called: HEPATIC DUCTULAR HYPOPLASIA, SYNDROMATIC; Alagille Syndrome 1; JAG1-Related Alagille Syndrome. Identifiers: Orphanet 261619, Orphanet 52, MedGen C1956125, MONDO:0016862, OMIM 118450.

Allele frequency attached by ClinVar (database versions not stated): ExAC 0.00001; gnomAD 0.00001.
gnomAD v4.1: 2 of 1,614,116 alleles (0.00012%); highest among the groups gnomAD compares: East Asian, 0.0045%; no homozygotes.

Submissions (3):

PreventionGenetics, part of Exact Sciences
Classification: Likely benign for JAG1-related condition. Last evaluated: 2025-11-21. Review status: criteria provided, single submitter. Criteria: ACMG Guidelines, 2015. Collection method: clinical testing. Allele origin: germline.
Comment: This variant is classified as likely benign based on ACMG/AMP sequence variant interpretation guidelines (Richards et al. 2015 PMID: 25741868, with internal and published modifications).

Labcorp Genetics (formerly Invitae), Labcorp
Classification: Likely benign for Alagille syndrome due to a JAG1 point mutation. Last evaluated: 2023-03-16. Review status: criteria provided, single submitter. Criteria: Invitae Variant Classification Sherloc (09022015). Collection method: clinical testing. Allele origin: germline.

Breakthrough Genomics
Classification: Likely benign. Review status: criteria provided, single submitter. Criteria: ACMG Guidelines, 2015. Collection method: not provided. Allele origin: germline. Inheritance: Autosomal dominant inheritance. Affected: yes.

NM_000214.3(JAG1):c.3573A>C (p.Thr1191=)

Gene: JAG1 (jagged canonical Notch ligand 1; minus strand). Cytogenetic location: 20p12.2.
Variant type: single nucleotide variant.
Coding change: c.3573A>C on transcript NM_000214.3 (MANE Select); coding-DNA position 3573, A replaced by C.
Protein change: p.Thr1191=; no amino-acid change (threonine 1191 retained).
Molecular consequence: synonymous variant.
Genome position (GRCh38, 1-based): chr20:10,639,582, T>G on the plus strand (A>C on the coding strand, the complement: JAG1 is on the minus strand). VCF-style: chr20-10639582-T-G. GRCh37 (hg19) VCF-style: chr20-10620230-T-G.
Other names: c.3573A>C (NM_000214.2).
Identifiers: ClinVar variation 1443170 (VCV001443170.10), dbSNP rs762774678, ClinGen allele CA9764182.
Genomic context (GRCh38, chr20:10,639,582, plus strand): 5'-TAAGCTCTGGGCACTTTCCAAGTCTCTGTTGTCCTGTTTGTTTGTCCAGTTTGGGTGTTT[T>G]GTCGGCGTGCCGTTGGGGGGCTTCTCTTCTCTGTCTACCAGCGTGTACGCCGGCTGCTTG-3'
Protein context (NP_000205.1, residues 1181-1201): REEKPPNGTP[Thr1191=]KHPNWTNKQD